The following is an entry in ClinVar:

NM_025137.4(SPG11):c.6844G>A (p.Asp2282Asn)

Gene: SPG11 (SPG11 vesicle trafficking associated, spatacsin; minus strand). Cytogenetic location: 15q21.1.
Variant type: single nucleotide variant.
Coding change: c.6844G>A on transcript NM_025137.4 (MANE Select); coding-DNA position 6844, G replaced by A.
Protein change: p.Asp2282Asn; replaces aspartic acid 2282 with asparagine.
Molecular consequence: missense variant.
Genome position (GRCh38, 1-based): chr15:44,566,009, C>T on the plus strand (G>A on the coding strand, the complement: SPG11 is on the minus strand). VCF-style: chr15-44566009-C-T. GRCh37 (hg19) VCF-style: chr15-44858207-C-T.
Other names: c.6505G>A, p.Asp2169Asn (NM_001160227.2); c.6700G>A, p.Asp2234Asn (NM_001411132.1); short protein forms D2282N, D2234N, D2169N.
Identifiers: ClinVar variation 1973639 (VCV001973639.5), dbSNP rs2505174046, ClinGen allele CA392213482.

ClinVar aggregate classification (germline): Uncertain significance (1 of 4 stars; one submission).

Conditions:
Hereditary spastic paraplegia 11. Also called: Spastic paraplegia, mental retardation and thin corpus callosum; SPASTIC PARAPLEGIA, AUTOSOMAL RECESSIVE, WITH MENTAL IMPAIRMENT AND THIN CORPUS CALLOSUM; Spastic Paraplegia 11; Nakamura Osame syndrome; Autosomal recessive hereditary spastic paraplegia, mental impairment, and thin corpus callosum; SPASTIC PARAPLEGIA, AUTOSOMAL RECESSIVE, COMPLICATED, WITH THIN CORPUS CALLOSUM. Identifiers: Orphanet 2822, MedGen C1858479, MONDO:0011445, OMIM 604360.

Submission:

Labcorp Genetics (formerly Invitae), Labcorp
Classification: Uncertain significance for Hereditary spastic paraplegia 11. Last evaluated: 2022-11-01. Review status: criteria provided, single submitter. Criteria: Invitae Variant Classification Sherloc (09022015). Collection method: clinical testing. Allele origin: germline.
Comment: This sequence change replaces aspartic acid, which is acidic and polar, with asparagine, which is neutral and polar, at codon 2282 of the SPG11 protein (p.Asp2282Asn). In summary, the available evidence is currently insufficient to determine the role of this variant in disease. Therefore, it has been classified as a Variant of Uncertain Significance. Algorithms developed to predict the effect of missense changes on protein structure and function are either unavailable or do not agree on the potential impact of this missense change (SIFT: "Tolerated"; PolyPhen-2: "Possibly Damaging"; Align-GVGD: "Class C0"). This variant has not been reported in the literature in individuals affected with SPG11-related conditions. This variant is not present in population databases (gnomAD no frequency).